The following is an entry in ClinVar:

NM_001903.5(CTNNA1):c.2218T>G (p.Ser740Ala)

Gene: CTNNA1 (catenin alpha 1; plus strand). Cytogenetic location: 5q31.2.
Variant type: single nucleotide variant.
Coding change: c.2218T>G on transcript NM_001903.5 (MANE Select); coding-DNA position 2218, T replaced by G.
Protein change: p.Ser740Ala; replaces serine 740 with alanine.
Molecular consequence: missense variant.
Genome position (GRCh38, 1-based): chr5:138,930,855, T>G. VCF-style: chr5-138930855-T-G. GRCh37 (hg19) VCF-style: chr5-138266544-T-G.
Other names: c.2218T>G, p.Ser740Ala (NM_001290307.3, NM_001323982.2, NM_001323983.1 and 2 more transcripts); c.1909T>G, p.Ser637Ala (NM_001290309.3); c.1849T>G, p.Ser617Ala (NM_001290310.3); c.1108T>G, p.Ser370Ala (NM_001290312.1, NM_001323994.1, NM_001323995.1 and 17 more transcripts); c.2125T>G, p.Ser709Ala (NM_001323986.2); c.769T>G, p.Ser257Ala (NM_001324006.1, NM_001324007.1, NM_001324008.1 and 2 more transcripts); c.1015T>G, p.Ser339Ala (NM_001324011.1); c.865T>G, p.Ser289Ala (NM_001324012.1, NM_001324013.1); short protein forms S370A, S617A, S289A, S637A, S257A, S339A, S709A, S740A.
Identifiers: ClinVar variation 2448354 (VCV002448354.2), dbSNP rs2533859572, ClinGen allele CA361133800.
Genomic context (GRCh38, chr5:138,930,855, plus strand): 5'-CATACAATAATCCTTGTTCTCTTCCCTCTTCTCAGAGGTAAAGGACCACTCAAAAATACA[T>G]CGGATGTCATCAGTGCTGCCAAGAAAATTGCTGAGGCAGGATCCAGGATGGACAAGCTTG-3'
Protein context (NP_001894.2, residues 730-750): TRGKGPLKNT[Ser740Ala]DVISAAKKIA

ClinVar aggregate classification (germline): Uncertain significance (1 of 4 stars; one submission).

Conditions:
Hereditary cancer-predisposing syndrome. Also called: Neoplastic Syndromes, Hereditary; Hereditary Cancer Syndrome; Tumor predisposition; Hereditary neoplastic syndrome. Identifiers: Orphanet 140162, MedGen C0027672, MeSH D009386, MONDO:0015356.

Submission:

Ambry Genetics
Classification: Uncertain significance for Hereditary cancer-predisposing syndrome. Last evaluated: 2023-03-02. Review status: criteria provided, single submitter. Criteria: Ambry Variant Classification Scheme 2023. Collection method: clinical testing. Allele origin: germline.
Comment: The p.S740A variant (also known as c.2218T>G), located in coding exon 15 of the CTNNA1 gene, results from a T to G substitution at nucleotide position 2218. The serine at codon 740 is replaced by alanine, an amino acid with similar properties. This amino acid position is conserved. In addition, the in silico prediction for this alteration is inconclusive. Since supporting evidence is limited at this time, the clinical significance of this alteration remains unclear.